The following is an entry in ClinVar:

NM_000484.4(APP):c.-44C>T

Gene: APP (amyloid beta precursor protein; minus strand). Cytogenetic location: 21q21.3.
Variant type: single nucleotide variant.
Coding change: c.-44C>T on transcript NM_000484.4 (MANE Select); 44 bases upstream of the start codon, C replaced by T.
Molecular consequence: 5 prime UTR variant. On other transcripts: intron variant (1).
Genome position (GRCh38, 1-based): chr21:26,170,664, G>A on the plus strand (C>T on the coding strand, the complement: APP is on the minus strand). VCF-style: chr21-26170664-G-A. GRCh37 (hg19) VCF-style: chr21-27542982-G-A.
Other names: c.-44C>T (NM_001136129.3, NM_001136130.3, NM_001204301.2 and 5 more transcripts); c.-49+321C>T (NM_001136131.3).
Identifiers: ClinVar variation 339652 (VCV000339652.5), dbSNP rs200289921, ClinGen allele CA9987782.

ClinVar aggregate classification (germline): Likely benign (1 of 4 stars; one submission).

Conditions:
Alzheimer disease. Also called: Presenile and senile dementia; Alzheimer's disease. Identifiers: Orphanet 1020, MedGen C0002395, MeSH D000544, MONDO:0004975, HP:0002511.

Allele frequency attached by ClinVar (database versions not stated): ExAC 0.00009; gnomAD exomes 0.00018 and 0.00030; gnomAD 0.00088 and 0.00093; TOPMed 0.00119; 1000 Genomes Project 0.00200; 1000 Genomes Project 30x 0.00219.
gnomAD v4.1: 402 of 1,515,146 alleles (0.027%); highest among the groups gnomAD compares: African/African-American, 0.31%; no homozygotes.

Submission:

Illumina Laboratory Services, Illumina
Classification: Likely benign for Alzheimer disease type 1. Last evaluated: 2018-01-13. Review status: criteria provided, single submitter. Criteria: ICSL Variant Classification Criteria 13 December 2019. Collection method: clinical testing. Allele origin: germline.
Comment: This variant was observed in the ICSL laboratory as part of a predisposition screen in an ostensibly healthy population. It had not been previously curated by ICSL or reported in the Human Gene Mutation Database (HGMD: prior to June 1st, 2018), and was therefore a candidate for classification through an automated scoring system. Utilizing variant allele frequency, disease prevalence and penetrance estimates, and inheritance mode, an automated score was calculated to assess if this variant is too frequent to cause the disease. Based on the score and internal cut-off values, a variant classified as likely benign is not then subjected to further curation. The score for this variant resulted in a classification of likely benign for this disease.